The following is an entry in ClinVar:

NM_182925.5(FLT4):c.1548G>A (p.Lys516=)

Gene: FLT4 (fms related receptor tyrosine kinase 4; minus strand). Cytogenetic location: 5q35.3.
Variant type: single nucleotide variant.
Coding change: c.1548G>A on transcript NM_182925.5 (MANE Select); coding-DNA position 1548, G replaced by A.
Protein change: p.Lys516=; no amino-acid change (lysine 516 retained).
Molecular consequence: synonymous variant.
Genome position (GRCh38, 1-based): chr5:180,623,935, C>T on the plus strand (G>A on the coding strand, the complement: FLT4 is on the minus strand). VCF-style: chr5-180623935-C-T. GRCh37 (hg19) VCF-style: chr5-180050935-C-T.
Other names: c.1548G>A, p.Lys516= (NM_001354989.2, NM_002020.5).
Identifiers: ClinVar variation 3255144 (VCV003255144.1), dbSNP rs2127822309.
Genomic context (GRCh38, chr5:180,623,935, plus strand): 5'-GGCCTCTCTCTCCTCCCTTCTCCTTCTCCCTGGGCACTCAGCAGCGCGGCTGGCCTGTAC[C>T]TTATTCTTTCCCTCCACAAACTCGGTCCAGGTGTCCAGGCTCTCGATGGGGTTCACGGCA-3'
Protein context (NP_891555.2, residues 506-526): TWTEFVEGKN[Lys516=]TVSKLVIQNA

ClinVar aggregate classification (germline): Uncertain significance (1 of 4 stars; one submission).

Conditions:
Congenital heart defects, multiple types, 7. Identifiers: MedGen C5394062, MONDO:0032913, OMIM 618780.

Submission:

Victorian Clinical Genetics Services, Murdoch Childrens Research Institute
Classification: Uncertain significance for Congenital heart defects, multiple types, 7. Last evaluated: 2023-07-17. Review status: criteria provided, single submitter. Criteria: ACMG Guidelines, 2015. Collection method: clinical testing. Allele origin: germline. Inheritance: Autosomal dominant inheritance. Affected: yes.
Comment: Based on the classification scheme VCGS_Germline_v1.3.4, this variant is classified as VUS-3A. Following criteria are met: 0103 - Dominant negative and loss of function are known mechanisms of disease in this gene and are associated with lymphatic malformation 1 (MIM#153100) and congenital heart defects, multiple types, 7 (MIM#618780), respectively (GeneReviews, PMID: 30232381). (I) 0107 - This gene is associated with autosomal dominant disease. (I) 0112 - The condition associated with this gene has incomplete penetrance. It has been reported for both congenital heart defects and lymphatic malformation phenotypes (PMID: 30232381, 30582441, GeneReviews). (I) 0115 - Variants in this gene are known to have variable expressivity. Both inter- and intrafamilial variability have been reported for lymphoedema (GeneReviews). (I) 0212 - Non-canonical splice site variant without proven consequence on splicing (no functional evidence available). This variant affects the last nucleotide of an exon and lies within the non-canonical region of intron 11 of 39. (SP) 0251 - This variant is heterozygous. (I) 0301 - Variant is absent from gnomAD (both v2 and v3). (SP) 0506 - Abnormal splicing is not predicted and nucleotide is highly conserved. (I) 0705 - No comparable splice site variants have previous evidence for pathogenicity. (I) 0807 - This variant has no previous evidence of pathogenicity. (I) 0905 - No published segregation evidence has been identified for this variant. (I) 1007 - No published functional evidence has been identified for this variant. (I) Legend: (SP) - Supporting pathogenic, (I) - Information, (SB) - Supporting benign

Literature cited by the submitters: PubMed 30232381; PubMed 30582441.